The following is an entry in ClinVar:

NM_001267550.2(TTN):c.82999C>T (p.Gln27667Ter)

Genes: TTN (titin; minus strand), TTN-AS1 (TTN antisense RNA 1; plus strand). Cytogenetic location: 2q31.2.
Variant type: single nucleotide variant.
Coding change: c.82999C>T on transcript NM_001267550.2 (MANE Select); coding-DNA position 82999, C replaced by T.
Protein change: p.Gln27667Ter; replaces glutamine 27667 with a stop codon.
Molecular consequence: nonsense.
Genome position (GRCh38, 1-based): chr2:178,563,133, G>A on the plus strand (C>T on the coding strand, the complement: TTN is on the minus strand). VCF-style: chr2-178563133-G-A. GRCh37 (hg19) VCF-style: chr2-179427860-G-A.
Other names: c.82999C>T (NM_001267550.1); c.78076C>T, p.Gln26026Ter (NM_001256850.1); c.55804C>T, p.Gln18602Ter (NM_003319.4); c.75295C>T, p.Gln25099Ter (NM_133378.4); c.56179C>T, p.Gln18727Ter (NM_133432.3); c.56380C>T, p.Gln18794Ter (NM_133437.4); short protein forms Q18794*, Q27667*, Q18602*, Q18727*, Q26026*, Q25099*.
Identifiers: ClinVar variation 1519798 (VCV001519798.7), dbSNP rs2154161170, ClinGen allele CA349570098.

ClinVar aggregate classification (germline): Likely pathogenic. Review status: criteria provided, multiple submitters, no conflicts (2 of 4 stars). 2 submissions from 2 submitters: Likely pathogenic (2). Last evaluated 2024-12-04.

Conditions:
Dilated cardiomyopathy 1G (CMD1G). Identifiers: Orphanet 154, MedGen C1858763, MONDO:0011400, OMIM 604145.
Autosomal recessive limb-girdle muscular dystrophy type 2J (LGMDR10). Also called: Limb-girdle muscular dystrophy, type 2J; MUSCULAR DYSTROPHY, LIMB-GIRDLE, AUTOSOMAL RECESSIVE 10. Identifiers: Orphanet 140922, MedGen C1837342, MONDO:0012127, OMIM 608807.

gnomAD v4.1: 1 of 1,613,634 alleles (0.000062%); no homozygotes.

Submissions (2):

Labcorp Genetics (formerly Invitae), Labcorp
Classification: Likely pathogenic for Dilated cardiomyopathy 1G; Autosomal recessive limb-girdle muscular dystrophy type 2J. Last evaluated: 2024-12-04. Review status: criteria provided, single submitter. Criteria: Invitae Variant Classification Sherloc (09022015). Collection method: clinical testing. Allele origin: germline.
Comment: This sequence change creates a premature translational stop signal (p.Gln27667*) in the TTN gene. While this is not anticipated to result in nonsense mediated decay, it is expected to create a truncated TTN protein. This variant is not present in population databases (gnomAD no frequency). This variant has not been reported in the literature in individuals affected with TTN-related conditions. ClinVar contains an entry for this variant (Variation ID: 1519798). This variant is located in the A band of TTN (PMID: 25589632). Truncating variants in this region are significantly overrepresented in patients affected with dilated cardiomyopathy (PMID: 25589632). Truncating variants in this region have also been reported in individuals affected with autosomal recessive centronuclear myopathy (PMID: 23975875). In summary, the currently available evidence indicates that the variant is pathogenic, but additional data are needed to prove that conclusively. Therefore, this variant has been classified as Likely Pathogenic.

GeneDx
Classification: Likely pathogenic. Last evaluated: 2023-10-26. Review status: criteria provided, single submitter. Criteria: GeneDx Variant Classification Process June 2021. Collection method: clinical testing. Allele origin: germline. Affected: yes.
Comment: Has not been previously published as pathogenic or benign to our knowledge; Not observed in large population cohorts (gnomAD); Nonsense variant predicted to result in protein truncation or nonsense mediated decay in a gene for which loss-of-function is a known mechanism of disease; Located in the A-band region of TTN in which the majority of loss of function variants have been associated with autosomal dominant titinopathies (PMID: 22335739); This variant is associated with the following publications: (PMID: 22335739)

Literature cited by the submitters: PubMed 25589632 (cited by Labcorp Genetics (formerly Invitae), Labcorp); PubMed 23975875 (cited by Labcorp Genetics (formerly Invitae), Labcorp).